The following is an entry in ClinVar:

ClinVar aggregate classification (germline): Uncertain significance (1 of 4 stars; one submission).

Submission:

Labcorp Genetics (formerly Invitae), Labcorp
Classification: Uncertain significance. Last evaluated: 2023-10-30. Review status: criteria provided, single submitter. Criteria: Invitae Variant Classification Sherloc (09022015). Collection method: clinical testing. Allele origin: germline.
Comment: This variant, c.1059_1061dup, results in the insertion of 1 amino acid(s) of the PRDM13 protein (p.His357dup), but otherwise preserves the integrity of the reading frame. This variant is not present in population databases (gnomAD no frequency). This variant has not been reported in the literature in individuals affected with PRDM13-related conditions. In summary, the available evidence is currently insufficient to determine the role of this variant in disease. Therefore, it has been classified as a Variant of Uncertain Significance.

NM_021620.4(PRDM13):c.1056CCA[3] (p.His357_Ala358insHis)

Genes: PRDM13 (PR/SET domain 13; plus strand), LOC129996881 (ATAC-STARR-seq lymphoblastoid silent region 17422; plus strand). Cytogenetic location: 6q16.2.
Variant type: Microsatellite.
Coding change: c.1056CCA[3] on transcript NM_021620.4 (MANE Select); three copies in a row of the 3-base unit CCA starting at c.1056; the reference has two copies in a row; one copy, 3 bases duplicated.
Protein change: p.His357_Ala358insHis.
Molecular consequence: inframe insertion.
Genome position (GRCh38, 1-based): chr6:99,613,694-99,613,696, CCA duplicated; duplicating any 3 consecutive bases within chr6:99,613,689-99,613,696 gives the same sequence; the position shown is the placement nearest the transcript's 3' end. VCF-style (leftmost placement, unchanged base first): chr6-99613688-T-TCAC. GRCh37 (hg19) VCF-style: chr6-100061564-T-TCAC.
Identifiers: ClinVar variation 2810963 (VCV002810963.3), dbSNP rs1476011286, ClinGen allele CA569097803.